The following is an entry in ClinVar:

NM_001039570.3(KREMEN1):c.710C>T (p.Ala237Val)

Gene: KREMEN1 (kringle containing transmembrane protein 1; plus strand). Cytogenetic location: 22q12.1.
Variant type: single nucleotide variant.
Coding change: c.710C>T on transcript NM_001039570.3 (MANE Select); coding-DNA position 710, C replaced by T.
Protein change: p.Ala237Val; replaces alanine 237 with valine.
Molecular consequence: missense variant.
Genome position (GRCh38, 1-based): chr22:29,137,420, C>T. VCF-style: chr22-29137420-C-T. GRCh37 (hg19) VCF-style: chr22-29533408-C-T.
Other names: c.710C>T, p.Ala237Val (NM_032045.5); short protein forms A237V.
Identifiers: ClinVar variation 4745584 (VCV004745584.1).

ClinVar aggregate classification (germline): Uncertain significance (1 of 4 stars; one submission).

Submission:

Labcorp Genetics (formerly Invitae), Labcorp
Classification: Uncertain significance. Last evaluated: 2025-10-05. Review status: criteria provided, single submitter. Criteria: Invitae Variant Classification Sherloc (09022015). Collection method: clinical testing. Allele origin: germline.
Comment: This sequence change replaces alanine, which is neutral and non-polar, with valine, which is neutral and non-polar, at codon 237 of the KREMEN1 protein (p.Ala237Val). This variant is not present in population databases (gnomAD no frequency). This variant has not been reported in the literature in individuals affected with KREMEN1-related conditions. Invitae Evidence Modeling of protein sequence and biophysical properties (such as structural, functional, and spatial information, amino acid conservation, physicochemical variation, residue mobility, and thermodynamic stability) indicates that this missense variant is not expected to disrupt KREMEN1 protein function with a negative predictive value of 80%. In summary, the available evidence is currently insufficient to determine the role of this variant in disease. Therefore, it has been classified as a Variant of Uncertain Significance.